The following is an entry in ClinVar:

NM_016953.4(PDE11A):c.959C>G (p.Thr320Arg)

Gene: PDE11A (phosphodiesterase 11A; minus strand). Cytogenetic location: 2q31.2.
Variant type: single nucleotide variant.
Coding change: c.959C>G on transcript NM_016953.4 (MANE Select); coding-DNA position 959, C replaced by G.
Protein change: p.Thr320Arg; replaces threonine 320 with arginine.
Molecular consequence: missense variant.
Genome position (GRCh38, 1-based): chr2:178,014,414, G>C on the plus strand (C>G on the coding strand, the complement: PDE11A is on the minus strand). VCF-style: chr2-178014414-G-C. GRCh37 (hg19) VCF-style: chr2-178879141-G-C.
Other names: c.209C>G, p.Thr70Arg (NM_001077197.2); short protein forms T320R, T70R.
Identifiers: ClinVar variation 4985663 (VCV004985663.1).
Genomic context (GRCh38, chr2:178,014,414, plus strand): 5'-TGGGCCACACCAATAATCTCACCATCACTGCTTCGGATAGGCATGCACAATAATGATTTT[G>C]TCTTGTATCCAGTTAGCTTGTCGATTTCATCATTGAATCGTCGATCCTAAAAATAAGACA-3'
Protein context (NP_058649.3, residues 310-330): DEIDKLTGYK[Thr320Arg]KSLLCMPIRS

ClinVar aggregate classification (germline): Uncertain significance (1 of 4 stars; one submission).

Conditions:
PDE11A-related disorder. Also called: PDE11A-related condition.

Submission:

PreventionGenetics, part of Exact Sciences
Classification: Uncertain significance for PDE11A-related condition. Last evaluated: 2026-01-23. Review status: criteria provided, single submitter. Criteria: ACMG Guidelines, 2015. Collection method: clinical testing. Allele origin: germline.
Comment: The PDE11A c.959C>G variant is predicted to result in the amino acid substitution p.Thr320Arg. To our knowledge, this variant has not been reported in the literature or in a large population database, indicating this variant is rare. At this time, the clinical significance of this variant is uncertain due to the absence of conclusive functional and genetic evidence.